The following is an entry in ClinVar:

ClinVar aggregate classification (germline): Uncertain significance. Review status: criteria provided, multiple submitters, no conflicts (2 of 4 stars). 2 submissions from 2 submitters: Uncertain significance (2). Last evaluated 2024-10-29.

Conditions:
Inborn genetic diseases. Identifiers: MedGen C0950123, MeSH D030342.

Allele frequency attached by ClinVar (database versions not stated): gnomAD 0.00006; ExAC 0.00009; TOPMed 0.00009; gnomAD exomes 0.00012; ESP Exome Variant Server 0.00023.
gnomAD v4.1: 186 of 1,613,716 alleles (0.012%); highest among the groups gnomAD compares: Middle Eastern, 0.033%; no homozygotes.

Submissions (2):

Labcorp Genetics (formerly Invitae), Labcorp
Classification: Uncertain significance. Last evaluated: 2024-10-29. Review status: criteria provided, single submitter. Criteria: Invitae Variant Classification Sherloc (09022015). Collection method: clinical testing. Allele origin: germline.
Comment: This sequence change replaces cysteine, which is neutral and slightly polar, with tyrosine, which is neutral and polar, at codon 21 of the HPSE2 protein (p.Cys21Tyr). This variant is present in population databases (rs143816972, gnomAD 0.03%). This variant has not been reported in the literature in individuals affected with HPSE2-related conditions. ClinVar contains an entry for this variant (Variation ID: 2077529). An algorithm developed to predict the effect of missense changes on protein structure and function (PolyPhen-2) suggests that this variant¬†is likely to be tolerated. In summary, the available evidence is currently insufficient to determine the role of this variant in disease. Therefore, it has been classified as a Variant of Uncertain Significance.

Ambry Genetics
Classification: Uncertain significance for Inborn genetic diseases. Last evaluated: 2023-10-05. Review status: criteria provided, single submitter. Criteria: Ambry Variant Classification Scheme 2023. Collection method: clinical testing. Allele origin: germline.

NM_021828.5(HPSE2):c.62G>A (p.Cys21Tyr)

Gene: HPSE2 (heparanase 2 (inactive); minus strand). Cytogenetic location: 10q24.2.
Variant type: single nucleotide variant.
Coding change: c.62G>A on transcript NM_021828.5 (MANE Select); coding-DNA position 62, G replaced by A.
Protein change: p.Cys21Tyr; replaces cysteine 21 with tyrosine.
Molecular consequence: missense variant.
Genome position (GRCh38, 1-based): chr10:99,235,741, C>T on the plus strand (G>A on the coding strand, the complement: HPSE2 is on the minus strand). VCF-style: chr10-99235741-C-T. GRCh37 (hg19) VCF-style: chr10-100995498-C-T.
Other names: c.62G>A, p.Cys21Tyr (NM_001166244.1, NM_001166245.1, NM_001166246.1); c.62G>A (NM_021828.4); short protein forms C21Y.
Identifiers: ClinVar variation 2077529 (VCV002077529.4), dbSNP rs143816972, ClinGen allele CA5640082.